The following is an entry in ClinVar:

ClinVar aggregate classification (germline): Pathogenic (1 of 4 stars; one submission).

Conditions:
Frontotemporal dementia and/or amyotrophic lateral sclerosis 4. Also called: FTDALS4. Identifiers: Orphanet 275872, MedGen C4225325, MONDO:0014641, OMIM 616439.

Submission:

Labcorp Genetics (formerly Invitae), Labcorp
Classification: Pathogenic for Frontotemporal dementia and/or amyotrophic lateral sclerosis 4. Last evaluated: 2021-12-25. Review status: criteria provided, single submitter. Criteria: Invitae Variant Classification Sherloc (09022015). Collection method: clinical testing. Allele origin: germline.
Comment: This sequence change creates a premature translational stop signal (p.Ser102Metfs*9) in the TBK1 gene. It is expected to result in an absent or disrupted protein product. Loss-of-function variants in TBK1 are known to be pathogenic (PMID: 25803835, 26476236, 26581300). This variant is not present in population databases (gnomAD no frequency). This variant has not been reported in the literature in individuals affected with TBK1-related conditions. For these reasons, this variant has been classified as Pathogenic.

Literature cited by the submitters: PubMed 25803835; PubMed 26476236; PubMed 26581300.

NM_013254.4(TBK1):c.300_309del (p.Ser102fs)

Gene: TBK1 (TANK binding kinase 1; plus strand). Cytogenetic location: 12q14.2.
Variant type: Deletion.
Coding change: c.300_309del on transcript NM_013254.4 (MANE Select); coding-DNA positions 300 to 309, 10 bases deleted (ACCTTCTAAT; older notation c.300_309delACCTTCTAAT).
Protein change: p.Ser102fs; shifts the reading frame from serine 102.
Molecular consequence: frameshift variant.
Genome position (GRCh38, 1-based): chr12:64,464,405-64,464,414, ACCTTCTAAT deleted. VCF-style (leftmost placement, unchanged base first): chr12-64464404-AACCTTCTAAT-A. GRCh37 (hg19) VCF-style: chr12-64858184-AACCTTCTAAT-A.
Other names: short protein forms S102fs.
Identifiers: ClinVar variation 2059613 (VCV002059613.4), dbSNP rs2539489004, ClinGen allele CA2580086630.